The following is an entry in ClinVar:

NM_007294.4(BRCA1):c.3800T>A (p.Leu1267Ter)

Genes: BRCA1 (BRCA1 DNA repair associated; minus strand), LOC126862571 (BRD4-independent group 4 enhancer GRCh37_chr17:41243136-41244335; plus strand). Cytogenetic location: 17q21.31.
Variant type: single nucleotide variant.
Coding change: c.3800T>A on transcript NM_007294.4 (MANE Select); coding-DNA position 3800, T replaced by A.
Protein change: p.Leu1267Ter; replaces leucine 1267 with a stop codon.
Molecular consequence: nonsense. On other transcripts: intron variant (135).
Genome position (GRCh38, 1-based): chr17:43,091,731, A>T on the plus strand (T>A on the coding strand, the complement: BRCA1 is on the minus strand). VCF-style: chr17-43091731-A-T. GRCh37 (hg19) VCF-style: chr17-41243748-A-T.
Other names: c.3587T>A, p.Leu1196Ter (NM_001407899.1, NM_001407571.1, NM_001407915.1 and 9 more transcripts); c.3590T>A, p.Leu1197Ter (NM_001407900.1, NM_001407902.1, NM_001407904.1 and 13 more transcripts); c.3800T>A, p.Leu1267Ter (NM_001407581.1, NM_001407582.1, NM_001407583.1 and 30 more transcripts); c.3797T>A, p.Leu1266Ter (NM_001407587.1, NM_001407590.1, NM_001407591.1 and 22 more transcripts); c.3677T>A, p.Leu1226Ter (NM_001407919.1, NM_001407937.1, NM_001407938.1 and 19 more transcripts); c.3536T>A, p.Leu1179Ter (NM_001407920.1, NM_001407921.1, NM_001407922.1 and 9 more transcripts); c.3533T>A, p.Leu1178Ter (NM_001407930.1, NM_001407931.1, NM_001407932.1 and 2 more transcripts); c.3674T>A, p.Leu1225Ter (NM_001407940.1, NM_001407941.1, NM_001407649.1 and 11 more transcripts); and 41 more; short protein forms L1099*, L1139*, L1140*, L1155*, L1156*, L1178*, L1179*, L1196*.
Identifiers: ClinVar variation 4071201 (VCV004071201.1).

ClinVar aggregate classification (germline): Pathogenic (1 of 4 stars; one submission).

Conditions:
Breast-ovarian cancer, familial, susceptibility to, 1 (BROVCA1). Also called: BRCA1 Hereditary Breast and Ovarian Cancer; OVARIAN CANCER, SUSCEPTIBILITY TO. Identifiers: Orphanet 145, MedGen C2676676, MONDO:0011450, OMIM 604370. Disease mechanism: loss of function.

Submission:

Myriad Genetics, Inc.
Classification: Pathogenic for Breast-ovarian cancer, familial, susceptibility to, 1. Last evaluated: 2025-06-11. Review status: criteria provided, single submitter. Criteria: Myriad Autosomal Dominant, Autosomal Recessive and X-Linked Classification Criteria (2023). Collection method: clinical testing. Allele origin: unknown.
Comment: This variant is considered pathogenic. This variant creates a termination codon and is predicted to result in premature protein truncation.